The following is an entry in ClinVar:

NM_001220.5(CAMK2B):c.219C>T (p.Ile73=)

Gene: CAMK2B (calcium/calmodulin dependent protein kinase II beta; minus strand). Cytogenetic location: 7p13.
Variant type: single nucleotide variant.
Coding change: c.219C>T on transcript NM_001220.5 (MANE Select); coding-DNA position 219, C replaced by T.
Protein change: p.Ile73=; no amino-acid change (isoleucine 73 retained).
Molecular consequence: synonymous variant.
Genome position (GRCh38, 1-based): chr7:44,263,006, G>A on the plus strand (C>T on the coding strand, the complement: CAMK2B is on the minus strand). VCF-style: chr7-44263006-G-A. GRCh37 (hg19) VCF-style: chr7-44302605-G-A.
Other names: c.219C>T (NM_001220.4); c.219C>T, p.Ile73= (NM_001293170.2, NM_172078.3, NM_172079.3 and 5 more transcripts).
Identifiers: ClinVar variation 1517622 (VCV001517622.10), dbSNP rs371901503, ClinGen allele CA4240817.
Genomic context (GRCh38, chr7:44,263,006, plus strand): 5'-GGGCTGCTGTCCGGGAGAAGGTGGGGACCCATCCCCGCTCCCTACCCCAGGCTGCTCACC[G>A]ATGTTGGAATGCTTCAGAAGGCGGCAGATCCGAGCCTCTCTCTCCAGCTTCTGGTGATCT-3'
Protein context (NP_001211.3, residues 63-83): RICRLLKHSN[Ile73=]VRLHDSISEE

ClinVar aggregate classification (germline): Uncertain significance. Review status: criteria provided, single submitter (1 of 4 stars). 2 submissions from 2 submitters: Uncertain significance (1). 1 of the submissions does not count toward it. Last evaluated 2024-09-16.

Conditions:
CAMK2B-related disorder. Also called: CAMK2B-related condition.

Allele frequency attached by ClinVar (database versions not stated): gnomAD 0.00001; gnomAD exomes 0.00001 and 0.00002; ExAC 0.00002; TOPMed 0.00002; ESP Exome Variant Server 0.00008.
gnomAD v4.1: 15 of 1,612,934 alleles (0.00093%); highest among the groups gnomAD compares: African/African-American, 0.0027%; no homozygotes.

Submissions (2):

Labcorp Genetics (formerly Invitae), Labcorp
Classification: Uncertain significance. Last evaluated: 2024-09-16. Review status: criteria provided, single submitter. Criteria: Invitae Variant Classification Sherloc (09022015). Collection method: clinical testing. Allele origin: germline.
Comment: This sequence change affects codon 73 of the CAMK2B mRNA. It is a 'silent' change, meaning that it does not change the encoded amino acid sequence of the CAMK2B protein. It affects a nucleotide within the consensus splice site. This variant is present in population databases (rs371901503, gnomAD 0.01%). This variant has not been reported in the literature in individuals affected with CAMK2B-related conditions. ClinVar contains an entry for this variant (Variation ID: 1517622). Algorithms developed to predict the effect of sequence changes on RNA splicing suggest that this variant is not likely to affect RNA splicing. In summary, the available evidence is currently insufficient to determine the role of this variant in disease. Therefore, it has been classified as a Variant of Uncertain Significance.

PreventionGenetics, part of Exact Sciences
Classification: Likely benign for CAMK2B-related condition. Last evaluated: 2020-05-22. Review status: no assertion criteria provided. Collection method: clinical testing. Allele origin: germline. Not counted in ClinVar's aggregate classification.
Comment: This variant is classified as likely benign based on ACMG/AMP sequence variant interpretation guidelines (Richards et al. 2015 PMID: 25741868, with internal and published modifications).